The following is an entry in ClinVar:

NM_000094.4(COL7A1):c.3932del (p.Gly1311fs)

Gene: COL7A1 (collagen type VII alpha 1 chain; minus strand). Cytogenetic location: 3p21.31.
Variant type: Deletion.
Coding change: c.3932del on transcript NM_000094.4 (MANE Select); coding-DNA position 3932, one base deleted (G; older notation c.3932delG).
Protein change: p.Gly1311fs; shifts the reading frame from glycine 1311.
Molecular consequence: frameshift variant.
Genome position (GRCh38, 1-based): chr3:48,585,079, C deleted on the plus strand (G on the coding strand, the reverse complement: COL7A1 is on the minus strand); the first of 2 consecutive C bases (chr3:48,585,079-48,585,080); deleting either gives the same sequence. VCF-style (leftmost placement, unchanged base first): chr3-48585078-GC-G. GRCh37 (hg19) VCF-style: chr3-48622511-GC-G.
Other names: short protein forms G1311fs.
Identifiers: ClinVar variation 3724083 (VCV003724083.2).

ClinVar aggregate classification (germline): Pathogenic (1 of 4 stars; one submission).

Submission:

Labcorp Genetics (formerly Invitae), Labcorp
Classification: Pathogenic. Last evaluated: 2024-11-04. Review status: criteria provided, single submitter. Criteria: Invitae Variant Classification Sherloc (09022015). Collection method: clinical testing. Allele origin: germline.
Comment: This sequence change creates a premature translational stop signal (p.Gly1311Alafs*14) in the COL7A1 gene. It is expected to result in an absent or disrupted protein product. Loss-of-function variants in COL7A1 are known to be pathogenic (PMID: 16971478). This variant is not present in population databases (gnomAD no frequency). This variant has not been reported in the literature in individuals affected with COL7A1-related conditions. For these reasons, this variant has been classified as Pathogenic.

Literature cited by the submitters: PubMed 16971478.